The following is an entry in ClinVar:

ClinVar aggregate classification (germline): Conflicting classifications of pathogenicity. Review status: criteria provided, conflicting classifications (1 of 4 stars). 2 submissions from 2 submitters: Uncertain significance (1); Likely benign (1). Last evaluated 2025-01-30.

Conditions:
Hereditary cancer-predisposing syndrome. Also called: Tumor predisposition; Hereditary Cancer Syndrome; Hereditary neoplastic syndrome; Neoplastic Syndromes, Hereditary. Identifiers: Orphanet 140162, MedGen C0027672, MeSH D009386, MONDO:0015356.
Multiple endocrine neoplasia, type 2 (MEN2). Identifiers: Orphanet 653, MedGen C4048306, MONDO:0019003. Disease mechanism: gain of function.

Submissions (2):

Ambry Genetics
Classification: Likely benign for Hereditary cancer-predisposing syndrome. Last evaluated: 2025-01-30. Review status: criteria provided, single submitter. Criteria: Ambry Variant Classification Scheme 2023. Collection method: clinical testing. Allele origin: germline.

Labcorp Genetics (formerly Invitae), Labcorp
Classification: Uncertain significance for Multiple endocrine neoplasia, type 2. Last evaluated: 2021-07-06. Review status: criteria provided, single submitter. Criteria: Invitae Variant Classification Sherloc (09022015). Collection method: clinical testing. Allele origin: germline.
Comment: This sequence change replaces leucine with phenylalanine at codon 501 of the RET protein (p.Leu501Phe). The leucine residue is weakly conserved and there is a small physicochemical difference between leucine and phenylalanine. This variant is not present in population databases (ExAC no frequency). This variant has not been reported in the literature in individuals affected with RET-related conditions. ClinVar contains an entry for this variant (Variation ID: 486354). Algorithms developed to predict the effect of missense changes on protein structure and function are either unavailable or do not agree on the potential impact of this missense change (SIFT: "Deleterious"; PolyPhen-2: "Benign"; Align-GVGD: "Class C0"). In summary, the available evidence is currently insufficient to determine the role of this variant in disease. Therefore, it has been classified as a Variant of Uncertain Significance.

NM_020975.6(RET):c.1501C>T (p.Leu501Phe)

Gene: RET (ret proto-oncogene; plus strand). Cytogenetic location: 10q11.21.
Variant type: single nucleotide variant.
Coding change: c.1501C>T on transcript NM_020975.6 (MANE Select); coding-DNA position 1501, C replaced by T.
Protein change: p.Leu501Phe; replaces leucine 501 with phenylalanine.
Molecular consequence: missense variant.
Genome position (GRCh38, 1-based): chr10:43,111,444, C>T. VCF-style: chr10-43111444-C-T. GRCh37 (hg19) VCF-style: chr10-43606892-C-T.
Other names: c.1501C>T, p.Leu501Phe (NM_000323.2, NM_001406743.1, NM_001406744.1 and 6 more transcripts); c.739C>T, p.Leu247Phe (NM_001355216.2); c.1372C>T, p.Leu458Phe (NM_001406761.1, NM_001406762.1, NM_001406764.1 and 1 more transcripts); c.1213C>T, p.Leu405Phe (NM_001406766.1, NM_001406767.1, NM_001406770.1); c.1105C>T, p.Leu369Phe (NM_001406769.1, NM_001406772.1); c.1063C>T, p.Leu355Phe (NM_001406771.1, NM_001406773.1); c.976C>T, p.Leu326Phe (NM_001406774.1); c.775C>T, p.Leu259Phe (NM_001406775.1, NM_001406776.1, NM_001406777.1 and 1 more transcripts); and 1 more; short protein forms L501F, L247F, L326F, L259F, L355F, L171F, L369F, L405F.
Identifiers: ClinVar variation 486354 (VCV000486354.15), dbSNP rs199572076, ClinGen allele CA376549987.
Genomic context (GRCh38, chr10:43,111,444, plus strand): 5'-CTTCACTACATGGTGGTGGCCACCGACCAGCAGACCTCTAGGCAGGCCCAGGCCCAGCTG[C>T]TTGTAACAGTGGAGGGGTCATGTGAGTGCCTGCTCCAGGGAGGGAGGGTCGGGGTCCTGG-3'
Protein context (NP_066124.1, residues 491-511): QTSRQAQAQL[Leu501Phe]VTVEGSYVAE